The following is an entry in ClinVar:

ClinVar aggregate classification (germline): Uncertain significance. Review status: reviewed by expert panel (3 of 4 stars). 2 submissions from 2 submitters: Uncertain significance (1). 1 of the submissions does not count toward it. Last evaluated 2024-08-16.

Conditions:
Hereditary thrombocytopenia and hematologic cancer predisposition syndrome. Identifiers: Orphanet 71290, MedGen CN281654, MONDO:0011071.
Hereditary thrombocytopenia and hematological cancer predisposition syndrome associated with RUNX1. Also called: Familial Platelet Disorder with Propensity to Acute Myelogenous Leukemia; Familial thrombocytopenia with propensity to acute myelogenous leukemia; PLATELET DISORDER, ASPIRIN-LIKE; RUNX1 Familial Platelet Disorder with Associated Myeloid Malignancies. Identifiers: Orphanet 71290, MedGen C1832388, MeSH C563324, MONDO:0100083, OMIM 601399.

Submissions (2):

ClinGen Myeloid Malignancy Variant Curation Expert Panel
Classification: Uncertain significance for Hereditary thrombocytopenia and hematologic cancer predisposition syndrome. Last evaluated: 2024-08-16. Review status: reviewed by expert panel. Criteria: ClinGen MyeloMalig ACMG Specifications v2. Collection method: curation. Allele origin: germline. Inheritance: Autosomal dominant inheritance.
Comment: NM_001754.5(RUNX1):c.1387C>T (p.Pro463Ser) is a missense variant which is completely absent from all population databases with at least 20x coverage for RUNX1 (PM2_supporting). In summary, the clinical significance of this variant is uncertain. ACMG/AMP criteria applied, as specified by the Myeloid Malignancy Variant Curation Expert Panel for RUNX1: PM2_supporting.

Labcorp Genetics (formerly Invitae), Labcorp
Classification: Uncertain significance for Hereditary thrombocytopenia and hematological cancer predisposition syndrome associated with RUNX1. Last evaluated: 2022-03-04. Review status: criteria provided, single submitter. Criteria: Invitae Variant Classification Sherloc (09022015). Collection method: clinical testing. Allele origin: germline. Not counted in ClinVar's aggregate classification.
Comment: This sequence change replaces proline, which is neutral and non-polar, with serine, which is neutral and polar, at codon 463 of the RUNX1 protein (p.Pro463Ser). In summary, the available evidence is currently insufficient to determine the role of this variant in disease. Therefore, it has been classified as a Variant of Uncertain Significance. Algorithms developed to predict the effect of missense changes on protein structure and function are either unavailable or do not agree on the potential impact of this missense change (SIFT: "Tolerated"; PolyPhen-2: "Probably Damaging"; Align-GVGD: "Class C0"). ClinVar contains an entry for this variant (Variation ID: 409816). This variant has not been reported in the literature in individuals affected with RUNX1-related conditions. This variant is not present in population databases (gnomAD no frequency).

NM_001754.5(RUNX1):c.1387C>T (p.Pro463Ser)

Gene: RUNX1 (RUNX family transcription factor 1; minus strand). Cytogenetic location: 21q22.12.
Variant type: single nucleotide variant.
Coding change: c.1387C>T on transcript NM_001754.5 (MANE Select); coding-DNA position 1387, C replaced by T.
Protein change: p.Pro463Ser; replaces proline 463 with serine.
Molecular consequence: missense variant.
Genome position (GRCh38, 1-based): chr21:34,792,191, G>A on the plus strand (C>T on the coding strand, the complement: RUNX1 is on the minus strand). VCF-style: chr21-34792191-G-A. GRCh37 (hg19) VCF-style: chr21-36164488-G-A.
Other names: NM_001754.5(RUNX1):c.1387C>T; p.Pro463Ser; c.1306C>T, p.Pro436Ser (NM_001001890.3); short protein forms P463S, P436S.
Identifiers: ClinVar variation 409816 (VCV000409816.9), dbSNP rs868387185, ClinGen allele CA16616503.